The following is an entry in ClinVar:

ClinVar aggregate classification (germline): Conflicting classifications of pathogenicity. Review status: criteria provided, conflicting classifications (1 of 4 stars). 3 submissions from 3 submitters: Pathogenic (1); Likely pathogenic (1); Uncertain significance (1). Last evaluated 2025-08-21.

Conditions:
Hereditary spastic paraplegia 5A (SPG5A). Also called: SPASTIC PARAPLEGIA 5A, AUTOSOMAL RECESSIVE. Identifiers: Orphanet 100986, MedGen C1849115, MONDO:0010047, OMIM 270800.
Congenital bile acid synthesis defect 3. Identifiers: Orphanet 79302, MedGen C3151147, MONDO:0013439, OMIM 613812.
Hereditary spastic paraplegia. Also called: Familial spastic paraparesis. Identifiers: Orphanet 685, MedGen C0037773, MONDO:0019064. Disease mechanism: loss of function.
Spastic paraplegia. Identifiers: MedGen C0037772, HP:0001258.

Allele frequency attached by ClinVar (database versions not stated): gnomAD exomes below 0.00001; ExAC 0.00001.
gnomAD v4.1: 8 of 1,612,322 alleles (0.0005%); highest among the groups gnomAD compares: Non-Finnish European, 0.00025%; no homozygotes.

Submissions (3):

Labcorp Genetics (formerly Invitae), Labcorp
Classification: Pathogenic for Spastic paraplegia. Last evaluated: 2025-08-21. Review status: criteria provided, single submitter. Criteria: Invitae Variant Classification Sherloc (09022015). Collection method: clinical testing. Allele origin: germline.
Comment: This sequence change replaces histidine, which is basic and polar, with leucine, which is neutral and non-polar, at codon 285 of the CYP7B1 protein (p.His285Leu). The frequency data for this variant in the population databases is considered unreliable, as metrics indicate poor data quality at this position in the gnomAD database. This missense change has been observed in individual(s) with autosomal recessive hereditary spastic paraplegia (PMID: 21214876; internal data). In at least one individual the data is consistent with being in trans (on the opposite chromosome) from a pathogenic variant. ClinVar contains an entry for this variant (Variation ID: 642794). Invitae Evidence Modeling of protein sequence and biophysical properties (such as structural, functional, and spatial information, amino acid conservation, physicochemical variation, residue mobility, and thermodynamic stability) indicates that this missense variant is expected to disrupt CYP7B1 protein function with a positive predictive value of 95%. This variant disrupts the p.His285 amino acid residue in CYP7B1. Other variant(s) that disrupt this residue have been observed in individuals with CYP7B1-related conditions (internal data), which suggests that this may be a clinically significant amino acid residue. For these reasons, this variant has been classified as Pathogenic.

Women's Health and Genetics/Laboratory Corporation of America, LabCorp
Classification: Likely pathogenic for Hereditary spastic paraplegia. Last evaluated: 2025-05-27. Review status: criteria provided, single submitter. Criteria: LabCorp Variant Classification Summary - May 2015. Collection method: clinical testing. Allele origin: germline.
Comment: Variant summary: CYP7B1 c.854A>T (p.His285Leu) results in a non-conservative amino acid change in the encoded protein sequence. Algorithms developed to predict the effect of missense changes on protein structure and function are either unavailable or do not agree on the potential impact of this missense change. The variant allele was found at a frequency of 4e-06 in 249394 control chromosomes. c.854A>T has been observed in the homozygous and compound heterozygous state in individuals affected with Hereditary Spastic Paraplegia, Type 5a (Aronoldi_2012, Beecroft_2020, Mahungu_2023). These data indicate that the variant is likely to be associated with disease. To our knowledge, no experimental evidence demonstrating an impact on protein function has been reported. The following publications have been ascertained in the context of this evaluation (PMID: 21214876, 32153140, 37712079). ClinVar contains an entry for this variant (Variation ID: 642794). Based on the evidence outlined above, the variant was classified as likely pathogenic.

Clinical Omics and Informatics (COIN) Unit, Neuroscience Institute, University Of Cape Town
Classification: Uncertain significance for Hereditary spastic paraplegia 5A. Last evaluated: 2024-05-22. Review status: criteria provided, single submitter. Criteria: ACMG Guidelines, 2015. Collection method: research. Allele origin: germline. Inheritance: Autosomal recessive inheritance. Affected: yes. Observed: 1 variant allele, 1 heterozygote.
Comment: PM2_supporting: the highest population allele frequency in gnomAD v4.0. is 0.00008294 (0.008%; 5/60288 alleles in Remaining populations). PM3_supporting: 0.5 points awarded for single homozygous occurrence (PMID 21214876). PS4 not evaluated as affected literature proband counted under PM3. Sequencing funded by the Clinical Research in ALS and Related Disorders for Therapeutic Development (CReATe) Consortium.

Literature cited by the submitters: PubMed 21214876 (cited by 3 submitters); PubMed 32153140 (cited by Women's Health and Genetics/Laboratory Corporation of America, LabCorp); PubMed 37712079 (cited by Women's Health and Genetics/Laboratory Corporation of America, LabCorp and Clinical Omics and Informatics (COIN) Unit, Neuroscience Institute, University Of Cape Town).

NM_004820.5(CYP7B1):c.854A>T (p.His285Leu)

Gene: CYP7B1 (cytochrome P450 family 7 subfamily B member 1; minus strand). Cytogenetic location: 8q12.3.
Variant type: single nucleotide variant.
Coding change: c.854A>T on transcript NM_004820.5 (MANE Select); coding-DNA position 854, A replaced by T.
Protein change: p.His285Leu; replaces histidine 285 with leucine.
Molecular consequence: missense variant.
Genome position (GRCh38, 1-based): chr8:64,615,229, T>A on the plus strand (A>T on the coding strand, the complement: CYP7B1 is on the minus strand). VCF-style: chr8-64615229-T-A. GRCh37 (hg19) VCF-style: chr8-65527786-T-A.
Other names: c.854A>T, p.His285Leu (NM_001324112.2); short protein forms H285L.
Identifiers: ClinVar variation 642794 (VCV000642794.25), dbSNP rs750781606, ClinGen allele CA4764124.